The following is an entry in ClinVar:

NM_012431.3(SEMA3E):c.1693C>T (p.His565Tyr)

Gene: SEMA3E (semaphorin 3E; minus strand). Cytogenetic location: 7q21.11.
Variant type: single nucleotide variant.
Coding change: c.1693C>T on transcript NM_012431.3 (MANE Select); coding-DNA position 1693, C replaced by T.
Protein change: p.His565Tyr; replaces histidine 565 with tyrosine.
Molecular consequence: missense variant.
Genome position (GRCh38, 1-based): chr7:83,387,025, G>A on the plus strand (C>T on the coding strand, the complement: SEMA3E is on the minus strand). VCF-style: chr7-83387025-G-A. GRCh37 (hg19) VCF-style: chr7-83016341-G-A.
Other names: c.1513C>T, p.His505Tyr (NM_001178129.2); short protein forms H505Y, H565Y.
Identifiers: ClinVar variation 4989615 (VCV004989615.1).

ClinVar aggregate classification (germline): Uncertain significance (1 of 4 stars; one submission).

Conditions:
SEMA3E-related disorder. Also called: SEMA3E-related condition.

gnomAD v4.1: 6 of 1,613,116 alleles (0.00037%); highest among the groups gnomAD compares: African/African-American, 0.008%; no homozygotes.

Submission:

PreventionGenetics, part of Exact Sciences
Classification: Uncertain significance for SEMA3E-related condition. Last evaluated: 2026-03-27. Review status: criteria provided, single submitter. Criteria: ACMG Guidelines, 2015. Collection method: clinical testing. Allele origin: germline.
Comment: The SEMA3E c.1693C>T variant is predicted to result in the amino acid substitution p.His565Tyr. To our knowledge, this variant has not been reported in the literature. This variant is reported in 0.0062% of alleles in individuals of African descent in gnomAD. At this time, the clinical significance of this variant is uncertain due to the absence of conclusive functional and genetic evidence.